The following is an entry in ClinVar:

ClinVar aggregate classification (germline): Uncertain significance (1 of 4 stars; one submission).

Conditions:
Hereditary cancer-predisposing syndrome. Also called: Neoplastic Syndromes, Hereditary; Tumor predisposition; Hereditary Cancer Syndrome; Hereditary neoplastic syndrome. Identifiers: Orphanet 140162, MedGen C0027672, MeSH D009386, MONDO:0015356.

Submission:

Ambry Genetics
Classification: Uncertain significance for Hereditary cancer-predisposing syndrome. Last evaluated: 2025-09-04. Review status: criteria provided, single submitter. Criteria: Ambry Variant Classification Scheme 2023. Collection method: clinical testing. Allele origin: germline.
Comment: The c.3077+3delA intronic variant is located 3 nucleotides after coding exon 19 of the ATM gene. This variant results from a deletion of one nucleotide at position c.3077+3. This nucleotide position is well conserved in available vertebrate species. In silico splice site analysis predicts that this alteration will weaken the native splice donor site and may result in the creation or strengthening of a novel splice donor site. Based on the available evidence, the clinical significance of this variant remains unclear.

NM_000051.4(ATM):c.3077+3del

Gene: ATM (ATM serine/threonine kinase; plus strand). Cytogenetic location: 11q22.3.
Variant type: Deletion.
Coding change: c.3077+3del on transcript NM_000051.4 (MANE Select); 3 bases into the intron after coding-DNA position 3077, one base deleted (A; older notation c.3077+3delA).
Molecular consequence: intron variant.
Genome position (GRCh38, 1-based): chr11:108,271,409, A deleted. VCF-style (leftmost placement, unchanged base first): chr11-108271408-TA-T. GRCh37 (hg19) VCF-style: chr11-108142135-TA-T.
Other names: c.3077+3del (NM_001351834.2).
Identifiers: ClinVar variation 4170079 (VCV004170079.1).